The following is an entry in ClinVar:

ClinVar aggregate classification (germline): Pathogenic (1 of 4 stars; one submission).

Conditions:
Neurodegeneration with brain iron accumulation 4 (NBIA4). Also called: MITOCHONDRIAL PROTEIN-ASSOCIATED NEURODEGENERATION. Identifiers: Orphanet 289560, MedGen C3280371, MONDO:0013674, OMIM 614298. Disease mechanism: loss of function.

gnomAD v4.1: 4 of 1,612,736 alleles (0.00025%); highest among the groups gnomAD compares: Non-Finnish European, 0.00034%; no homozygotes.

Submission:

Institute of Bioinformatics
Classification: Pathogenic for Neurodegeneration with brain iron accumulation 4. Last evaluated: 2024-09-01. Review status: criteria provided, single submitter. Criteria: ACMG Guidelines, 2015. Collection method: clinical testing. Allele origin: unknown. Inheritance: Autosomal recessive inheritance. Affected: yes. Observed: 2 variant alleles, 2 homozygotes.
Comment: The variant is classified as pathogenic based on multiple lines of evidence. Both the patient and her sibling exhibit clinical phenotypes specifically associated with MPAN, fulfilling the PP4 criterion. This variant has already been reported as pathogenic and likely pathogenic in ClinVar (PP5). In silico predictions from SIFT and PolyPhen-2 further support pathogenicity (PP3). Additionally, the variant has a very low allele frequency in gnomAD, meeting the PM2 criterion. Importantly, the missense variant affects the glycine zipper motif of the protein, which is predicted to disrupt protein localization and occurs in a known mutation hotspot linked to disease, fulfilling PM1 and PP2 criteria.

NM_031448.6(C19orf12):c.139G>A (p.Gly47Ser)

Gene: C19orf12 (chromosome 19 open reading frame 12; minus strand). Cytogenetic location: 19q12.
Variant type: single nucleotide variant.
Coding change: c.139G>A on transcript NM_031448.6 (MANE Select); coding-DNA position 139, G replaced by A.
Protein change: p.Gly47Ser; replaces glycine 47 with serine.
Molecular consequence: missense variant. On other transcripts: 5 prime UTR variant (1), intron variant (2).
Genome position (GRCh38, 1-based): chr19:29,708,275, C>T on the plus strand (G>A on the coding strand, the complement: C19orf12 is on the minus strand). VCF-style: chr19-29708275-C-T. GRCh37 (hg19) VCF-style: chr19-30199182-C-T.
Other names: NP_001026896.2:p.p.Gly58Ser; c.139G>A, p.Gly47Ser (NM_001031726.4, NM_001256046.3, NM_001256047.2); c.-175G>A (NM_001282931.3); c.-32-5298G>A (NM_001282929.1, NM_001282930.3); short protein forms G47S.
Identifiers: ClinVar variation 3362869 (VCV003362869.1).
Genomic context (GRCh38, chr19:29,708,275, plus strand): 5'-CCCCGAGGCTGGCTATCTCTGTGAGACACCTGCACTTACCAACGGCGAGTCCCGGTGGGC[C>T]GCCCACCAAACCCCCGACGAAGGCCATGGCCCCTGTGACCAGGGCACCCTTCCCAGAGTG-3'
Protein context (NP_113636.2, residues 37-57): AMAFVGGLVG[Gly47Ser]PPGLAVGGAV